The following is an entry in ClinVar:

NM_001040142.2(SCN2A):c.1635G>T (p.Arg545Ser)

Gene: SCN2A (sodium voltage-gated channel alpha subunit 2; plus strand). Cytogenetic location: 2q24.3.
Variant type: single nucleotide variant.
Coding change: c.1635G>T on transcript NM_001040142.2 (MANE Select); coding-DNA position 1635, G replaced by T.
Protein change: p.Arg545Ser; replaces arginine 545 with serine.
Molecular consequence: missense variant.
Genome position (GRCh38, 1-based): chr2:165,315,722, G>T. VCF-style: chr2-165315722-G-T. GRCh37 (hg19) VCF-style: chr2-166172232-G-T.
Other names: c.1635G>T, p.Arg545Ser (NM_001040143.2, NM_001371246.1, NM_001371247.1 and 1 more transcripts); short protein forms R545S.
Identifiers: ClinVar variation 1320904 (VCV001320904.2), dbSNP rs1478414510, ClinGen allele CA349024039.
Genomic context (GRCh38, chr2:165,315,722, plus strand): 5'-ATCGGAATCTGAAGACAGCATAAGAAGAAAAGGTTTCCGTTTTTCCTTGGAAGGAAGTAG[G>T]CTGACATATGAAAAGAGATTTTCTTCTCCACACCAGGTAAAAATATTAAATTACATGAAT-3'
Protein context (NP_001035232.1, residues 535-555): KGFRFSLEGS[Arg545Ser]LTYEKRFSSP

ClinVar aggregate classification (germline): Uncertain significance (1 of 4 stars; one submission).

Allele frequency attached by ClinVar (database versions not stated): TOPMed 0.00001.
gnomAD v4.1: 1 of 1,613,194 alleles (0.000062%); no homozygotes.

Submission:

GeneDx
Classification: Uncertain significance. Last evaluated: 2021-07-19. Review status: criteria provided, single submitter. Criteria: GeneDx Variant Classification Process June 2021. Collection method: clinical testing. Allele origin: germline. Affected: yes.
Comment: Not observed at significant frequency in large population cohorts (Lek et al., 2016); Missense variants in this gene are often considered pathogenic (Stenson et al., 2014); In silico analysis supports that this missense variant has a deleterious effect on protein structure/function; This substitution is predicted to be within the N-terminal cytoplasmic domain; Has not been previously published as pathogenic or benign to our knowledge; This variant is associated with the following publications: (PMID: 22029951, 27535533, 24077912)